The following is an entry in ClinVar:

ClinVar aggregate classification (germline): Uncertain significance (1 of 4 stars; one submission).

Allele frequency attached by ClinVar (database versions not stated): TOPMed below 0.00001; gnomAD 0.00001.
gnomAD v4.1: 1 of 1,614,032 alleles (0.000062%); highest among the groups gnomAD compares: Admixed American, 0.0017%; no homozygotes.

Submission:

Labcorp Genetics (formerly Invitae), Labcorp
Classification: Uncertain significance. Last evaluated: 2023-10-13. Review status: criteria provided, single submitter. Criteria: Invitae Variant Classification Sherloc (09022015). Collection method: clinical testing. Allele origin: germline.
Comment: This sequence change replaces proline, which is neutral and non-polar, with leucine, which is neutral and non-polar, at codon 1491 of the EPRS protein (p.Pro1491Leu). This variant is present in population databases (rs781321466, gnomAD 0.003%). This variant has not been reported in the literature in individuals affected with EPRS-related conditions. ClinVar contains an entry for this variant (Variation ID: 2063682). An algorithm developed to predict the effect of missense changes on protein structure and function (PolyPhen-2) suggests that this variant is likely to be tolerated. In summary, the available evidence is currently insufficient to determine the role of this variant in disease. Therefore, it has been classified as a Variant of Uncertain Significance.

NM_004446.3(EPRS1):c.4472C>T (p.Pro1491Leu)

Gene: EPRS1 (glutamyl-prolyl-tRNA synthetase 1; minus strand). Cytogenetic location: 1q41.
Variant type: single nucleotide variant.
Coding change: c.4472C>T on transcript NM_004446.3 (MANE Select); coding-DNA position 4472, C replaced by T.
Protein change: p.Pro1491Leu; replaces proline 1491 with leucine.
Molecular consequence: missense variant.
Genome position (GRCh38, 1-based): chr1:219,968,873, G>A on the plus strand (C>T on the coding strand, the complement: EPRS1 is on the minus strand). VCF-style: chr1-219968873-G-A. GRCh37 (hg19) VCF-style: chr1-220142215-G-A.
Other names: short protein forms P1491L.
Identifiers: ClinVar variation 2063682 (VCV002063682.4), dbSNP rs781321466, ClinGen allele CA1399396.